The following is an entry in ClinVar:

NM_020884.7(MYH7B):c.1934G>T (p.Arg645Leu)

Gene: MYH7B (myosin heavy chain 7B; plus strand). Cytogenetic location: 20q11.22.
Variant type: single nucleotide variant.
Coding change: c.1934G>T on transcript NM_020884.7 (MANE Select); coding-DNA position 1934, G replaced by T.
Protein change: p.Arg645Leu; replaces arginine 645 with leucine.
Molecular consequence: missense variant.
Genome position (GRCh38, 1-based): chr20:34,990,267, G>T. VCF-style: chr20-34990267-G-T. GRCh37 (hg19) VCF-style: chr20-33578070-G-T.
Other names: c.2060G>T (NM_020884.4); short protein forms R645L.
Identifiers: ClinVar variation 4114911 (VCV004114911.3).

ClinVar aggregate classification (germline): Uncertain significance. Review status: criteria provided, multiple submitters, no conflicts (2 of 4 stars). 3 submissions from 3 submitters: Uncertain significance (3). Last evaluated 2025-06-18.

Conditions:
MYH7B-related disorder. Also called: MYH7B-related condition.

gnomAD v4.1: 4 of 1,614,062 alleles (0.00025%); highest among the groups gnomAD compares: Admixed American, 0.0067%; no homozygotes.

Submissions (3):

Ambry Genetics
Classification: Uncertain significance. Last evaluated: 2025-06-18. Review status: criteria provided, single submitter. Criteria: Ambry Variant Classification Scheme 2023. Collection method: clinical testing. Allele origin: germline.

PreventionGenetics, part of Exact Sciences
Classification: Uncertain significance for MYH7B-related condition. Last evaluated: 2025-04-02. Review status: criteria provided, single submitter. Criteria: ACMG Guidelines, 2015. Collection method: clinical testing. Allele origin: germline.
Comment: The MYH7B c.2060G>T variant is predicted to result in the amino acid substitution p.Arg687Leu. To our knowledge, this variant has not been reported in the literature. This variant is reported in 0.0058% of alleles in individuals of Latino descent in gnomAD. At this time, the clinical significance of this variant is uncertain due to the absence of conclusive functional and genetic evidence.

Labcorp Genetics (formerly Invitae), Labcorp
Classification: Uncertain significance. Last evaluated: 2025-03-05. Review status: criteria provided, single submitter. Criteria: Invitae Variant Classification Sherloc (09022015). Collection method: clinical testing. Allele origin: germline.
Comment: This sequence change replaces arginine, which is basic and polar, with leucine, which is neutral and non-polar, at codon 687 of the MYH7B protein (p.Arg687Leu). This variant is present in population databases (no rsID available, gnomAD 0.006%). This variant has not been reported in the literature in individuals affected with MYH7B-related conditions. Invitae Evidence Modeling of protein sequence and biophysical properties (such as structural, functional, and spatial information, amino acid conservation, physicochemical variation, residue mobility, and thermodynamic stability) indicates that this missense variant is not expected to disrupt MYH7B protein function with a negative predictive value of 80%. In summary, the available evidence is currently insufficient to determine the role of this variant in disease. Therefore, it has been classified as a Variant of Uncertain Significance.